The following is an entry in ClinVar:

ClinVar aggregate classification (germline): Uncertain significance. Review status: criteria provided, multiple submitters, no conflicts (2 of 4 stars). 3 submissions from 3 submitters: Uncertain significance (2). 1 of the submissions does not count toward it. Last evaluated 2024-07-11.

Conditions:
Bloom syndrome (BLM). Also called: Bloom-Torre-Machacek syndrome. Identifiers: Orphanet 125, MedGen C0005859, MONDO:0008876, OMIM 210900.
Hereditary cancer-predisposing syndrome. Also called: Hereditary Cancer Syndrome; Tumor predisposition; Neoplastic Syndromes, Hereditary; Hereditary neoplastic syndrome. Identifiers: Orphanet 140162, MedGen C0027672, MeSH D009386, MONDO:0015356.

Submissions (3):

Ambry Genetics
Classification: Uncertain significance for Hereditary cancer-predisposing syndrome. Last evaluated: 2024-07-11. Review status: criteria provided, single submitter. Criteria: Ambry Variant Classification Scheme 2023. Collection method: clinical testing. Allele origin: germline.
Comment: The p.V709D variant (also known as c.2126T>A), located in coding exon 8 of the BLM gene, results from a T to A substitution at nucleotide position 2126. The valine at codon 709 is replaced by aspartic acid, an amino acid with highly dissimilar properties. This amino acid position is conserved. In addition, the in silico prediction for this alteration is inconclusive. Based on the available evidence, the clinical significance of this variant remains unclear.

Blueprint Genetics
Classification: Uncertain significance. Last evaluated: 2023-10-27. Review status: criteria provided, single submitter. Criteria: ACMG Guidelines, 2015. Collection method: clinical testing. Allele origin: germline.

Natera, Inc.
Classification: Uncertain significance for Bloom syndrome. Last evaluated: 2020-09-04. Review status: no assertion criteria provided. Collection method: clinical testing. Allele origin: germline. Not counted in ClinVar's aggregate classification.

NM_000057.4(BLM):c.2126T>A (p.Val709Asp)

Gene: BLM (BLM RecQ like helicase; plus strand). Cytogenetic location: 15q26.1.
Variant type: single nucleotide variant.
Coding change: c.2126T>A on transcript NM_000057.4 (MANE Select); coding-DNA position 2126, T replaced by A.
Protein change: p.Val709Asp; replaces valine 709 with aspartic acid.
Molecular consequence: missense variant.
Genome position (GRCh38, 1-based): chr15:90,765,347, T>A. VCF-style: chr15-90765347-T-A. GRCh37 (hg19) VCF-style: chr15-91308577-T-A.
Other names: c.2126T>A, p.Val709Asp (NM_001287246.2, NM_001287247.2); c.1001T>A, p.Val334Asp (NM_001287248.2); c.2126T>A (NM_000057.2); short protein forms V334D, V709D.
Identifiers: ClinVar variation 990971 (VCV000990971.3), dbSNP rs1896094774, ClinGen allele CA393844615.